The following is an entry in ClinVar:

NM_000218.3(KCNQ1):c.1014CTT[1] (p.Phe340del)

Gene: KCNQ1 (potassium voltage-gated channel subfamily Q member 1; plus strand). Cytogenetic location: 11p15.5.
Variant type: Microsatellite.
Coding change: c.1014CTT[1] on transcript NM_000218.3 (MANE Select); one copy of the 3-base unit CTT starting at c.1014; the reference has two copies in a row; one copy, 3 bases deleted; also written c.1017_1019del.
Protein change: p.Phe340del; deletes phenylalanine 340.
Molecular consequence: inframe deletion. On other transcripts: inframe indel (7).
Genome position (GRCh38, 1-based): chr11:2,583,530-2,583,532, CTT deleted; deleting any 3 consecutive bases within chr11:2,583,527-2,583,532 gives the same sequence; the position shown is the placement nearest the transcript's 3' end. VCF-style (leftmost placement, unchanged base first): chr11-2583526-CCTT-C. GRCh37 (hg19) VCF-style: chr11-2604756-CCTT-C.
Other names: c.1017_1019delCTT (NM_000218.2); c.1017_1019del (NM_000218.2, NM_000218.3); c.1014_1016CTT[1], p.Phe340del (NM_000218.2, NM_001406836.1); c.744_746CTT[1], p.Phe250del (NM_001406837.1); c.570_572CTT[1], p.Phe192del (NM_001406838.1); c.633_635CTT[1], p.Phe213del (NM_181798.2); short protein forms F340del, F213del, F192del, F250del.
Identifiers: ClinVar variation 52930 (VCV000052930.24), dbSNP rs397508068, ClinGen allele CA004847.

ClinVar aggregate classification (germline): Pathogenic. Review status: criteria provided, multiple submitters, no conflicts (2 of 4 stars). 10 submissions from 9 submitters: Pathogenic (10). Last evaluated 2025-11-18.

Conditions:
Cardiac arrhythmia. Also called: Cardiac rhythm disease; Arrhythmia. Identifiers: MedGen C0003811, MONDO:0007263, HP:0011675.
KCNQ1-related disorder. Also called: KCNQ1-related disorders; KCNQ1-related condition. Identifiers: MedGen CN239322.
Cardiovascular phenotype. Identifiers: MedGen CN230736.
Long QT syndrome 1 (LQT1). Identifiers: Orphanet 101016, Orphanet 768, MedGen C4551647, MONDO:0100316, OMIM 192500, MONDO:0008646.
Short QT syndrome type 2. Identifiers: Orphanet 51083, MedGen C1865019, MONDO:0012313, OMIM 609621.
Atrial fibrillation, familial, 3 (ATFB3). Identifiers: MedGen C1837014, MONDO:0011857, OMIM 607554.
Beckwith-Wiedemann syndrome (BWS). Also called: Exomphalos macroglossia gigantism syndrome; EMG SYNDROME. Identifiers: Orphanet 116, MedGen C0004903, MONDO:0007534, OMIM 130650.
Jervell and Lange-Nielsen syndrome 1 (JLNS1). Also called: CARDIOAUDITORY SYNDROME OF JERVELL AND LANGE-NIELSEN; DEAFNESS, CONGENITAL, AND FUNCTIONAL HEART DISEASE; PROLONGED QT INTERVAL IN EKG AND SUDDEN DEATH; SURDO-CARDIAC SYNDROME. Identifiers: Orphanet 768, Orphanet 90647, MedGen C4551509, MONDO:0024540, OMIM 220400.
Long QT syndrome (LQTS). Identifiers: MedGen C0023976, MeSH D008133, MONDO:0002442. Disease mechanism: loss of function. Inheritance: Various modes of inheritance.

Submissions (10):

Petrovsky National Research Centre of Surgery, The Federal Agency for Scientific Organizations
Classification: Pathogenic for Long QT syndrome. Last evaluated: 2025-11-18. Review status: criteria provided, single submitter. Criteria: ACMG Guidelines, 2015. Collection method: clinical testing. Allele origin: germline. Affected: yes.
Comment: The variant is present in The Genome Aggregation Database (gnomAD) v4.1.0 with a total MAF of 0.0000006197. In accordance with ACMG (2015) criteria, this variant is classified as Pathogenic (Class V) with the following criteria applied: PM1_strong, PM2_moderate, PP5_strong, PM4_moderate, PP4_supporting.

Labcorp Genetics (formerly Invitae), Labcorp
Classification: Pathogenic for Long QT syndrome. Last evaluated: 2025-04-02. Review status: criteria provided, single submitter. Criteria: Invitae Variant Classification Sherloc (09022015). Collection method: clinical testing. Allele origin: germline.
Comment: This variant, c.1017_1019del, results in the deletion of 1 amino acid(s) of the KCNQ1 protein (p.Phe340del), but otherwise preserves the integrity of the reading frame. This variant is present in population databases (rs397508068, gnomAD 0.003%). This variant has been observed in individuals with long QT syndrome (PMID: 9702906, 16922724, 24606995, 26669661). It has also been observed to segregate with disease in related individuals. ClinVar contains an entry for this variant (Variation ID: 52930). For these reasons, this variant has been classified as Pathogenic.

Blueprint Genetics
Classification: Pathogenic for KCNQ1-related disorders. Last evaluated: 2024-11-13. Review status: criteria provided, single submitter. Criteria: ACMG Guidelines, 2015. Collection method: clinical testing. Allele origin: germline. Affected: yes. Observed: 1 variant allele.

All of Us Research Program, National Institutes of Health
Classification: Pathogenic for Long QT syndrome. Last evaluated: 2024-06-09. Review status: criteria provided, single submitter. Criteria: ACMG Guidelines, 2015. Collection method: clinical testing. Allele origin: germline. Inheritance: Autosomal dominant inheritance. Observed: 1 variant allele, 1 heterozygote.
Comment: This variant, also known as delF339 in literature, deletes one of the two consecutive phenylalanine residues in exon 7 of the KCNQ1 protein. This variant is found within the highly conserved transmembrane domain S6 (a.a. 328-348). Rare non-truncating variants in this region have been shown to be significantly overrepresented in individuals with long QT syndrome (PMID: 32893267). A functional study has shown that this variant causes a reduction of channel current amplitudes when expressed in Xenopus oocytes (PMID: 15950200). This variant has been reported in at least 8 unrelated individuals affected with long QT syndrome (PMID: 9702906, 15234419, 15950200, 17470695, 22456477, 25294783, 32893267). It has been shown that this variant segregates with disease in over 10 individuals from 4 of these families (PMID: 9702906, 15234419, 15950200, 25294783). This variant has been identified in 1/251304 chromosomes in the general population by the Genome Aggregation Database (gnomAD). Based on the available evidence, this variant is classified as Pathogenic.

This study involves interpretation of variants in research participants for the purpose of population health screening. Participant phenotype was not available at the time of variant classification. Additional details can be found in publication PMID: 35346344, PMCID: PMC8962531

Color Diagnostics, LLC DBA Color Health
Classification: Pathogenic for Cardiac arrhythmia. Last evaluated: 2024-04-12. Review status: criteria provided, single submitter. Criteria: ACMG Guidelines, 2015. Collection method: clinical testing. Allele origin: germline.
Comment: This variant, also known as delF339 in literature, deletes one of the two consecutive phenylalanine residues in exon 7 of the KCNQ1 protein. This variant is found within the highly conserved transmembrane domain S6 (a.a. 328-348). Rare non-truncating variants in this region have been shown to be significantly overrepresented in individuals with long QT syndrome (PMID: 32893267). A functional study has shown that this variant causes a reduction of channel current amplitudes when expressed in Xenopus oocytes (PMID: 15950200). This variant has been reported in at least 8 unrelated individuals affected with long QT syndrome (PMID: 9702906, 15234419, 15950200, 17470695, 22456477, 25294783, 32893267). It has been shown that this variant segregates with disease in over 10 individuals from 4 of these families (PMID: 9702906, 15234419, 15950200, 25294783). This variant has been identified in 1/251304 chromosomes in the general population by the Genome Aggregation Database (gnomAD). Based on the available evidence, this variant is classified as Pathogenic.

GeneDx
Classification: Pathogenic. Last evaluated: 2023-02-17. Review status: criteria provided, single submitter. Criteria: GeneDx Variant Classification Process June 2021. Collection method: clinical testing. Allele origin: germline. Affected: yes.
Comment: Not observed at significant frequency in large population cohorts (gnomAD); In-frame deletion of 1 amino acid in a non-repeat region; Published functional studies suggest a damaging effect via reduced potassium channel function (Thomas et al., 2005); In silico analysis supports a deleterious effect on protein structure/function; This variant is associated with the following publications: (PMID: 19841300, 31447099, 9702906, 10973849, 19716085, 17470695, 16922724, 26669661, 15950200, 34505893, 24606995, 25294783)

Molecular Diagnostic Laboratory for Inherited Cardiovascular Disease, Montreal Heart Institute
Classification: Pathogenic for Cardiovascular phenotype. Last evaluated: 2021-11-23. Review status: criteria provided, single submitter. Criteria: ACMG Guidelines, 2015. Collection method: clinical testing. Allele origin: germline. Affected: yes.

Fulgent Genetics
Classification: Pathogenic for Beckwith-Wiedemann syndrome; Long QT syndrome 1; Jervell and Lange-Nielsen syndrome 1; Atrial fibrillation, familial, 3; Short QT syndrome type 2. Last evaluated: 2021-11-03. Review status: criteria provided, single submitter. Criteria: ACMG Guidelines, 2015. Collection method: clinical testing. Allele origin: unknown.

Ambry Genetics
Classification: Pathogenic for Cardiovascular phenotype. Last evaluated: 2021-09-09. Review status: criteria provided, single submitter. Criteria: Ambry Variant Classification Scheme 2023. Collection method: clinical testing. Allele origin: germline.
Comment: The c.1017_1019delCTT pathogenic mutation (also known as p.F340del) is located in coding exon 7 of the KCNQ1 gene. This pathogenic mutation results from an in-frame CTT deletion at nucleotide positions 1017 to 1019. This results in the in-frame deletion of a phenylalanine at codon 340. This alteration, also referred to as F339del, has been reported in multiple individuals with long QT syndrome (Ackerman MJ et al. Pediatr. Res., 1998 Aug;44:148-53; Splawski I et al. Circulation, 2000 Sep;102:1178-85; Thomas D et al. Cardiovasc. Res., 2005 Aug;67:487-97; Moss AJ et al. Circulation, 2007 May;115:2481-9; Christiansen M et al. BMC Med. Genet., 2014 Mar;15:31; Itoh H et al. Eur. J. Hum. Genet., 2016 Aug;24:1160-6). In addition, this alteration segregated with the disease in two apparently unrelated families (Ackerman MJ et al. Pediatr. Res., 1998 Aug;44:148-53; Thomas D et al. Cardiovasc. Res., 2005 Aug;67:487-97), and was suggested to attenuate channel activity (Thomas D et al. Cardiovasc. Res., 2005 Aug;67:487-97; Moss AJ et al. Circulation, 2007 May;115:2481-9). In addition, this variant is considered to be rare based on population cohorts in the Genome Aggregation Database (gnomAD). Based on the supporting evidence, this alteration is interpreted as a disease-causing mutation.

Molecular Diagnostic Laboratory for Inherited Cardiovascular Disease, Montreal Heart Institute
Classification: Pathogenic for Long QT syndrome. Review status: criteria provided, single submitter. Criteria: ACMG Guidelines, 2015. Collection method: clinical testing. Allele origin: germline. Affected: yes.

Literature cited by the submitters: PubMed 9702906 (cited by 4 submitters); PubMed 16922724 (cited by Labcorp Genetics (formerly Invitae), Labcorp and Ambry Genetics); PubMed 24606995 (cited by Labcorp Genetics (formerly Invitae), Labcorp and Ambry Genetics); PubMed 26669661 (cited by Labcorp Genetics (formerly Invitae), Labcorp and Ambry Genetics); PubMed 15234419 (cited by All of Us Research Program, National Institutes of Health and Color Diagnostics, LLC DBA Color Health); PubMed 15950200 (cited by 3 submitters); PubMed 17470695 (cited by 3 submitters); PubMed 22456477 (cited by All of Us Research Program, National Institutes of Health and Color Diagnostics, LLC DBA Color Health); PubMed 25294783 (cited by All of Us Research Program, National Institutes of Health and Color Diagnostics, LLC DBA Color Health); PubMed 32893267 (cited by All of Us Research Program, National Institutes of Health and Color Diagnostics, LLC DBA Color Health); PubMed 10973849 (cited by Ambry Genetics).